The following is an entry in ClinVar:

NM_000368.5(TSC1):c.2356C>G (p.Arg786Gly)

Gene: TSC1 (TSC complex subunit 1; minus strand). Cytogenetic location: 9q34.13.
Variant type: single nucleotide variant.
Coding change: c.2356C>G on transcript NM_000368.5 (MANE Select); coding-DNA position 2356, C replaced by G.
Protein change: p.Arg786Gly; replaces arginine 786 with glycine.
Molecular consequence: missense variant.
Genome position (GRCh38, 1-based): chr9:132,902,640, G>C on the plus strand (C>G on the coding strand, the complement: TSC1 is on the minus strand). VCF-style: chr9-132902640-G-C. GRCh37 (hg19) VCF-style: chr9-135778027-G-C.
Other names: c.2356C>G, p.Arg786Gly (NM_001406605.1, NM_001406606.1, NM_001406607.1 and 5 more transcripts); c.2353C>G, p.Arg785Gly (NM_001406608.1, NM_001406609.1, NM_001162426.2 and 4 more transcripts); c.2203C>G, p.Arg735Gly (NM_001406610.1, NM_001162427.2); c.2200C>G, p.Arg734Gly (NM_001406611.1, NM_001406612.1, NM_001406613.1); c.1993C>G, p.Arg665Gly (NM_001406614.1, NM_001362177.2, NM_001406615.1 and 5 more transcripts); c.2341C>G, p.Arg781Gly (NM_001406601.1, NM_001406602.1); c.2338C>G, p.Arg780Gly (NM_001406603.1, NM_001406604.1); c.1990C>G, p.Arg664Gly (NM_001406620.1, NM_001406621.1, NM_001406622.1 and 2 more transcripts); and 3 more; short protein forms R468G, R735G, R785G, R734G, R665G, R781G, R435G, R469G.
Identifiers: ClinVar variation 1790077 (VCV001790077.4), dbSNP rs118203682, ClinGen allele CA375359300.

ClinVar aggregate classification (germline): Uncertain significance. Review status: criteria provided, multiple submitters, no conflicts (2 of 4 stars). 2 submissions from 2 submitters: Uncertain significance (2). Last evaluated 2026-09-14.

Conditions:
Tuberous sclerosis 1 (TSC1). Identifiers: Orphanet 805, MedGen C1854465, MONDO:0008612, OMIM 191100.
Hereditary cancer-predisposing syndrome. Also called: Hereditary Cancer Syndrome; Hereditary neoplastic syndrome; Neoplastic Syndromes, Hereditary; Tumor predisposition. Identifiers: Orphanet 140162, MedGen C0027672, MeSH D009386, MONDO:0015356.

Submissions (2):

Ambry Genetics
Classification: Uncertain significance for Hereditary cancer-predisposing syndrome. Last evaluated: 2026-09-14. Review status: criteria provided, single submitter. Criteria: Ambry Variant Classification Scheme 2023. Collection method: clinical testing. Allele origin: germline.
Comment: The p.R786G variant (also known as c.2356C>G), located in coding exon 16 of the TSC1 gene, results from a C to G substitution at nucleotide position 2356. The arginine at codon 786 is replaced by glycine, an amino acid with dissimilar properties. This amino acid position is highly conserved in available vertebrate species. In addition, this alteration is predicted to be deleterious by in silico analysis. Based on the available evidence, the clinical significance of this variant remains unclear.

Labcorp Genetics (formerly Invitae), Labcorp
Classification: Uncertain significance for Tuberous sclerosis 1. Last evaluated: 2025-07-16. Review status: criteria provided, single submitter. Criteria: Invitae Variant Classification Sherloc (09022015). Collection method: clinical testing. Allele origin: germline.
Comment: This sequence change replaces arginine, which is basic and polar, with glycine, which is neutral and non-polar, at codon 786 of the TSC1 protein (p.Arg786Gly). This variant is not present in population databases (gnomAD no frequency). This variant has not been reported in the literature in individuals affected with TSC1-related conditions. ClinVar contains an entry for this variant (Variation ID: 1790077). Invitae Evidence Modeling of protein sequence and biophysical properties (such as structural, functional, and spatial information, amino acid conservation, physicochemical variation, residue mobility, and thermodynamic stability) has been performed for this missense variant. However, the output from this modeling did not meet the statistical confidence thresholds required to predict the impact of this variant on TSC1 protein function. In summary, the available evidence is currently insufficient to determine the role of this variant in disease. Therefore, it has been classified as a Variant of Uncertain Significance.